The following is an entry in ClinVar:

ClinVar aggregate classification (germline): Pathogenic (1 of 4 stars; one submission).

Submission:

Labcorp Genetics (formerly Invitae), Labcorp
Classification: Pathogenic. Last evaluated: 2023-08-23. Review status: criteria provided, single submitter. Criteria: Invitae Variant Classification Sherloc (09022015). Collection method: clinical testing. Allele origin: germline.
Comment: For these reasons, this variant has been classified as Pathogenic. This variant has not been reported in the literature in individuals affected with PCNT-related conditions. This variant is not present in population databases (gnomAD no frequency). This sequence change creates a premature translational stop signal (p.Asp714Valfs*2) in the PCNT gene. It is expected to result in an absent or disrupted protein product. Loss-of-function variants in PCNT are known to be pathogenic (PMID: 18174396, 22821869).

Literature cited by the submitters: PubMed 18174396; PubMed 22821869.

NM_006031.6(PCNT):c.2133_2140dup (p.Asp714delinsValTer)

Gene: PCNT (pericentrin; plus strand). Cytogenetic location: 21q22.3.
Variant type: Duplication.
Coding change: c.2133_2140dup on transcript NM_006031.6 (MANE Select); coding-DNA positions 2133 to 2140, 8 bases duplicated (TCTGAAGG; older notation c.2133_2140dupTCTGAAGG).
Protein change: p.Asp714delinsValTer.
Molecular consequence: nonsense.
Genome position (GRCh38, 1-based): chr21:46,357,170-46,357,177, TCTGAAGG duplicated; duplicating any 8 consecutive bases within chr21:46,357,169-46,357,177 gives the same sequence; the c. name uses the placement nearest the transcript's 3' end. VCF-style (leftmost placement, unchanged base first): chr21-46357168-C-CGTCTGAAG. GRCh37 (hg19) VCF-style: chr21-47777083-C-CGTCTGAAG.
Other names: c.1779_1786dup, p.Asp596delinsValTer (NM_001315529.2).
Identifiers: ClinVar variation 2780740 (VCV002780740.3), dbSNP rs2518153447, ClinGen allele CA2739267759.